The following is an entry in ClinVar:

ClinVar aggregate classification (germline): Uncertain significance. Review status: criteria provided, multiple submitters, no conflicts (2 of 4 stars). 2 submissions from 2 submitters: Uncertain significance (2). Last evaluated 2024-08-14.

Conditions:
Inborn genetic diseases. Identifiers: MedGen C0950123, MeSH D030342.

Allele frequency attached by ClinVar (database versions not stated): gnomAD exomes 0.00002; TOPMed 0.00014; gnomAD 0.00016.
gnomAD v4.1: 47 of 1,570,968 alleles (0.003%); highest among the groups gnomAD compares: Admixed American, 0.078%; no homozygotes.

Submissions (2):

Ambry Genetics
Classification: Uncertain significance for Inborn genetic diseases. Last evaluated: 2024-08-14. Review status: criteria provided, single submitter. Criteria: Ambry Variant Classification Scheme 2023. Collection method: clinical testing. Allele origin: germline.

Labcorp Genetics (formerly Invitae), Labcorp
Classification: Uncertain significance. Last evaluated: 2023-10-13. Review status: criteria provided, single submitter. Criteria: Invitae Variant Classification Sherloc (09022015). Collection method: clinical testing. Allele origin: germline.
Comment: This sequence change replaces glycine, which is neutral and non-polar, with arginine, which is basic and polar, at codon 252 of the PEX3 protein (p.Gly252Arg). This variant is present in population databases (no rsID available, gnomAD 0.05%). This variant has not been reported in the literature in individuals affected with PEX3-related conditions. ClinVar contains an entry for this variant (Variation ID: 2168260). Advanced modeling of protein sequence and biophysical properties (such as structural, functional, and spatial information, amino acid conservation, physicochemical variation, residue mobility, and thermodynamic stability) performed at Invitae indicates that this missense variant is not expected to disrupt PEX3 protein function. In summary, the available evidence is currently insufficient to determine the role of this variant in disease. Therefore, it has been classified as a Variant of Uncertain Significance.

NM_003630.3(PEX3):c.754G>C (p.Gly252Arg)

Gene: PEX3 (peroxisomal biogenesis factor 3; plus strand). Cytogenetic location: 6q24.2.
Variant type: single nucleotide variant.
Coding change: c.754G>C on transcript NM_003630.3 (MANE Select); coding-DNA position 754, G replaced by C.
Protein change: p.Gly252Arg; replaces glycine 252 with arginine.
Molecular consequence: missense variant.
Genome position (GRCh38, 1-based): chr6:143,474,792, G>C. VCF-style: chr6-143474792-G-C. GRCh37 (hg19) VCF-style: chr6-143795929-G-C.
Other names: c.754G>C (NM_003630.2); short protein forms G252R.
Identifiers: ClinVar variation 2168260 (VCV002168260.5), dbSNP rs1467671544, ClinGen allele CA365913053.
Genomic context (GRCh38, chr6:143,474,792, plus strand): 5'-CATAACCCTGTGCTAATGTTTGAAAACCTTAAGTGTGACATTTTAATTCTATAGGCCTGT[G>C]GACTTTCTCCTCGAGACATTACCACTATTAAACTTCTCAATGAAACTAGAGACATGTTGG-3'
Protein context (NP_003621.1, residues 242-262): EETPLAVQAC[Gly252Arg]LSPRDITTIK